The following is an entry in ClinVar:

NM_198271.5(LMOD3):c.360dup (p.Glu121fs)

Gene: LMOD3 (leiomodin 3; minus strand). Cytogenetic location: 3p14.1.
Variant type: Duplication.
Coding change: c.360dup on transcript NM_198271.5 (MANE Select); coding-DNA position 360, one base duplicated (A; older notation c.360dupA).
Protein change: p.Glu121fs; shifts the reading frame from glutamic acid 121.
Molecular consequence: frameshift variant.
Genome position (GRCh38, 1-based): chr3:69,119,995, T duplicated on the plus strand (A on the coding strand, the reverse complement: LMOD3 is on the minus strand); the first of 4 consecutive T bases (chr3:69,119,995-69,119,998); duplicating any one gives the same sequence. VCF-style (leftmost placement, unchanged base first): chr3-69119994-C-CT. GRCh37 (hg19) VCF-style: chr3-69169145-C-CT.
Other names: c.360dup, p.Glu121fs (NM_001304418.3); short protein forms E121fs.
Identifiers: ClinVar variation 2571781 (VCV002571781.1), dbSNP rs757259401, ClinGen allele CA2489004.

ClinVar aggregate classification (germline): Pathogenic (1 of 4 stars; one submission).

Submission:

GeneDx
Classification: Pathogenic. Last evaluated: 2023-07-01. Review status: criteria provided, single submitter. Criteria: GeneDx Variant Classification Process June 2021. Collection method: clinical testing. Allele origin: germline. Affected: yes.
Comment: Frameshift variant predicted to result in protein truncation or nonsense mediated decay in a gene for which loss of function is a known mechanism of disease; Not observed at significant frequency in large population cohorts (gnomAD); This variant is associated with the following publications: (PMID: 31428121)